The following is an entry in ClinVar:

NM_001085049.3(MRAS):c.586C>T (p.Arg196Trp)

Gene: MRAS (muscle RAS oncogene homolog; plus strand). Cytogenetic location: 3q22.3.
Variant type: single nucleotide variant.
Coding change: c.586C>T on transcript NM_001085049.3 (MANE Select); coding-DNA position 586, C replaced by T.
Protein change: p.Arg196Trp; replaces arginine 196 with tryptophan.
Molecular consequence: missense variant.
Genome position (GRCh38, 1-based): chr3:138,402,228, C>T. VCF-style: chr3-138402228-C-T. GRCh37 (hg19) VCF-style: chr3-138121070-C-T.
Other names: c.586C>T, p.Arg196Trp (NM_001252090.2, NM_012219.4); c.358C>T, p.Arg120Trp (NM_001252091.1, NM_001252092.2, NM_001252093.2); short protein forms R120W, R196W.
Identifiers: ClinVar variation 1978228 (VCV001978228.4), dbSNP rs766893123, ClinGen allele CA2637063.

ClinVar aggregate classification (germline): Uncertain significance (1 of 4 stars; one submission).

Allele frequency attached by ClinVar (database versions not stated): gnomAD exomes below 0.00001; ExAC 0.00001; gnomAD 0.00001.
gnomAD v4.1: 7 of 1,614,112 alleles (0.00043%); highest among the groups gnomAD compares: Non-Finnish European, 0.00059%; no homozygotes.

Submission:

Labcorp Genetics (formerly Invitae), Labcorp
Classification: Uncertain significance. Last evaluated: 2022-04-08. Review status: criteria provided, single submitter. Criteria: Invitae Variant Classification Sherloc (09022015). Collection method: clinical testing. Allele origin: germline.
Comment: This sequence change replaces arginine, which is basic and polar, with tryptophan, which is neutral and slightly polar, at codon 196 of the MRAS protein (p.Arg196Trp). This variant is present in population databases (rs766893123, gnomAD 0.0009%). This variant has not been reported in the literature in individuals affected with MRAS-related conditions. Algorithms developed to predict the effect of missense changes on protein structure and function are either unavailable or do not agree on the potential impact of this missense change (SIFT: "Deleterious"; PolyPhen-2: "Benign"; Align-GVGD: "Class C65"). In summary, the available evidence is currently insufficient to determine the role of this variant in disease. Therefore, it has been classified as a Variant of Uncertain Significance.